The following is an entry in ClinVar:

ClinVar aggregate classification (germline): Uncertain significance (1 of 4 stars; one submission).

Allele frequency attached by ClinVar (database versions not stated): TOPMed below 0.00001; gnomAD 0.00001; gnomAD exomes 0.00001.
gnomAD v4.1: 4 of 1,613,756 alleles (0.00025%); highest among the groups gnomAD compares: Non-Finnish European, 0.00034%; no homozygotes.

Submission:

Labcorp Genetics (formerly Invitae), Labcorp
Classification: Uncertain significance. Last evaluated: 2022-03-27. Review status: criteria provided, single submitter. Criteria: Invitae Variant Classification Sherloc (09022015). Collection method: clinical testing. Allele origin: germline.
Comment: In summary, the available evidence is currently insufficient to determine the role of this variant in disease. Therefore, it has been classified as a Variant of Uncertain Significance. Algorithms developed to predict the effect of missense changes on protein structure and function (SIFT, PolyPhen-2, Align-GVGD) all suggest that this variant is likely to be tolerated. This variant has not been reported in the literature in individuals affected with ACBD5-related conditions. This variant is not present in population databases (gnomAD no frequency). This sequence change replaces glutamic acid, which is acidic and polar, with aspartic acid, which is acidic and polar, at codon 114 of the ACBD5 protein (p.Glu114Asp).

NM_145698.5(ACBD5):c.342A>C (p.Glu114Asp)

Gene: ACBD5 (acyl-CoA binding domain containing 5; minus strand). Cytogenetic location: 10p12.1.
Variant type: single nucleotide variant.
Coding change: c.342A>C on transcript NM_145698.5 (MANE Select); coding-DNA position 342, A replaced by C.
Protein change: p.Glu114Asp; replaces glutamic acid 114 with aspartic acid.
Molecular consequence: missense variant.
Genome position (GRCh38, 1-based): chr10:27,231,781, T>G on the plus strand (A>C on the coding strand, the complement: ACBD5 is on the minus strand). VCF-style: chr10-27231781-T-G. GRCh37 (hg19) VCF-style: chr10-27520710-T-G.
Other names: c.15A>C, p.Glu5Asp (NM_001352584.1, NM_001352585.1, NM_001301251.2 and 4 more transcripts); c.336A>C, p.Glu112Asp (NM_001352586.1, NM_001352587.1, NM_001271512.3 and 1 more transcripts); c.342A>C, p.Glu114Asp (NM_001352588.1, NM_001352569.1, NM_001352570.1 and 2 more transcripts); c.237A>C, p.Glu79Asp (NM_001042473.4, NM_001352574.2, NM_001352575.2 and 6 more transcripts); c.363A>C, p.Glu121Asp (NM_001352568.1, NM_001352572.1); short protein forms E121D, E5D, E114D, E79D, E112D.
Identifiers: ClinVar variation 2118553 (VCV002118553.4), dbSNP rs1474016602, ClinGen allele CA376377506.
Genomic context (GRCh38, chr10:27,231,781, plus strand): 5'-ATTTTAACTGTGAATTATTTTCCCTACCTTTTTCATTTCTTCAACATATGCAATCATGGC[T>G]TCCTCTTTGGTCATATCACCCAGTGAACTCCAAGCATCCCTAGAAATGAAAGTATCCACA-3'
Protein context (NP_663736.2, residues 104-124): WSSLGDMTKE[Glu114Asp]AMIAYVEEMK